The following is an entry in ClinVar:

NM_001378452.1(ITPR1):c.6388-10C>T

Gene: ITPR1 (inositol 1,4,5-trisphosphate receptor type 1; plus strand). Cytogenetic location: 3p26.1.
Variant type: single nucleotide variant.
Coding change: c.6388-10C>T on transcript NM_001378452.1 (MANE Select); 10 bases into the intron before coding-DNA position 6388, C replaced by T.
Molecular consequence: intron variant.
Genome position (GRCh38, 1-based): chr3:4,782,609, C>T. VCF-style: chr3-4782609-C-T. GRCh37 (hg19) VCF-style: chr3-4824293-C-T.
Other names: c.6244-10C>T (NM_001099952.4); c.6343-10C>T (NM_001168272.2); c.6199-10C>T (NM_002222.7).
Identifiers: ClinVar variation 4994486 (VCV004994486.1).

ClinVar aggregate classification (germline): Likely benign (1 of 4 stars; one submission).

Conditions:
ITPR1-related disorder. Also called: ITPR1-related condition.

gnomAD v4.1: 13 of 1,601,188 alleles (0.00081%); highest among the groups gnomAD compares: Non-Finnish European, 0.0011%; no homozygotes.

Submission:

PreventionGenetics, part of Exact Sciences
Classification: Likely benign for ITPR1-related condition. Last evaluated: 2026-02-27. Review status: criteria provided, single submitter. Criteria: ACMG Guidelines, 2015. Collection method: clinical testing. Allele origin: germline.
Comment: This variant is classified as likely benign based on ACMG/AMP sequence variant interpretation guidelines (Richards et al. 2015 PMID: 25741868, with internal and published modifications).